The following is an entry in ClinVar:

NM_020778.5(ALPK3):c.3720del (p.Ser1241fs)

Gene: ALPK3 (alpha kinase 3; plus strand). Cytogenetic location: 15q25.3.
Variant type: Deletion.
Coding change: c.3720del on transcript NM_020778.5 (MANE Select); coding-DNA position 3720, one base deleted (C; older notation c.3720delC).
Protein change: p.Ser1241fs; shifts the reading frame from serine 1241.
Molecular consequence: frameshift variant.
Genome position (GRCh38, 1-based): chr15:84,858,458, C deleted; the last of 4 consecutive C bases (chr15:84,858,455-84,858,458); deleting any one gives the same sequence. VCF-style (leftmost placement, unchanged base first): chr15-84858454-GC-G. GRCh37 (hg19) VCF-style: chr15-85401685-GC-G.
Other names: short protein forms S1241fs.
Identifiers: ClinVar variation 1739733 (VCV001739733.2), dbSNP rs2505722754, ClinGen allele CA2580090136.

ClinVar aggregate classification (germline): Pathogenic (1 of 4 stars; one submission).

Conditions:
Cardiovascular phenotype. Identifiers: MedGen CN230736.

Submission:

Ambry Genetics
Classification: Pathogenic for Cardiovascular phenotype. Last evaluated: 2022-08-29. Review status: criteria provided, single submitter. Criteria: Ambry Variant Classification Scheme 2023. Collection method: clinical testing. Allele origin: germline.
Comment: The c.4326delC pathogenic mutation, located in coding exon 6 of the ALPK3 gene, results from a deletion of one nucleotide at nucleotide position 4326, causing a translational frameshift with a predicted alternate stop codon (p.S1443Afs*31). This variant is considered to be rare based on population cohorts in the Genome Aggregation Database (gnomAD). This alteration is expected to result in loss of function by premature protein truncation or nonsense-mediated mRNA decay. As such, this alteration is interpreted as a disease-causing mutation.